The following is an entry in ClinVar:

NM_015338.6(ASXL1):c.1597G>A (p.Ala533Thr)

Gene: ASXL1 (ASXL transcriptional regulator 1; plus strand). Cytogenetic location: 20q11.21.
Variant type: single nucleotide variant.
Coding change: c.1597G>A on transcript NM_015338.6 (MANE Select); coding-DNA position 1597, G replaced by A.
Protein change: p.Ala533Thr; replaces alanine 533 with threonine.
Molecular consequence: missense variant.
Genome position (GRCh38, 1-based): chr20:32,433,795, G>A. VCF-style: chr20-32433795-G-A. GRCh37 (hg19) VCF-style: chr20-31021598-G-A.
Other names: c.1414G>A, p.Ala472Thr (NM_001363734.1); short protein forms A472T, A533T.
Identifiers: ClinVar variation 4158361 (VCV004158361.1).

ClinVar aggregate classification (germline): Uncertain significance (1 of 4 stars; one submission).

Conditions:
Inborn genetic diseases. Identifiers: MedGen C0950123, MeSH D030342.

gnomAD v4.1: 2 of 1,614,180 alleles (0.00012%); highest among the groups gnomAD compares: Non-Finnish European, 0.00017%; no homozygotes.

Submission:

Ambry Genetics
Classification: Uncertain significance for Inborn genetic diseases. Last evaluated: 2025-07-19. Review status: criteria provided, single submitter. Criteria: Ambry Variant Classification Scheme 2023. Collection method: clinical testing. Allele origin: germline.
Comment: The p.A533T variant (also known as c.1597G>A), located in coding exon 12 of the ASXL1 gene, results from a G to A substitution at nucleotide position 1597. The alanine at codon 533 is replaced by threonine, an amino acid with similar properties. This amino acid position is conserved. In addition, this alteration is predicted to be tolerated by in silico analysis. Based on the available evidence, the clinical significance of this variant remains unclear.